The following is an entry in ClinVar:

ClinVar aggregate classification (germline): Uncertain significance. Review status: criteria provided, multiple submitters, no conflicts (2 of 4 stars). 2 submissions from 2 submitters: Uncertain significance (2). Last evaluated 2022-07-19.

Conditions:
Deficiency of alpha-mannosidase (MANSA). Also called: Mannosidosis, alpha-, types I and II; Alpha-Mannosidosis; LYSOSOMAL ALPHA-D-MANNOSIDASE DEFICIENCY. Identifiers: Orphanet 61, MedGen C0024748, MONDO:0009561, OMIM 248500.
Inborn genetic diseases. Identifiers: MedGen C0950123, MeSH D030342.

Allele frequency attached by ClinVar (database versions not stated): gnomAD exomes below 0.00001; gnomAD 0.00001; TOPMed 0.00001.
gnomAD v4.1: 6 of 1,613,676 alleles (0.00037%); highest among the groups gnomAD compares: East Asian, 0.0045%; no homozygotes.

Submissions (2):

Labcorp Genetics (formerly Invitae), Labcorp
Classification: Uncertain significance for Deficiency of alpha-mannosidase. Last evaluated: 2022-07-19. Review status: criteria provided, single submitter. Criteria: Invitae Variant Classification Sherloc (09022015). Collection method: clinical testing. Allele origin: germline.
Comment: This sequence change replaces methionine, which is neutral and non-polar, with threonine, which is neutral and polar, at codon 830 of the MAN2B1 protein (p.Met830Thr). The frequency data for this variant in the population databases is considered unreliable, as metrics indicate poor data quality at this position in the gnomAD database. This variant has not been reported in the literature in individuals affected with MAN2B1-related conditions. ClinVar contains an entry for this variant (Variation ID: 1403756). Algorithms developed to predict the effect of missense changes on protein structure and function (SIFT, PolyPhen-2, Align-GVGD) all suggest that this variant is likely to be tolerated. In summary, the available evidence is currently insufficient to determine the role of this variant in disease. Therefore, it has been classified as a Variant of Uncertain Significance.

Ambry Genetics
Classification: Uncertain significance for Inborn genetic diseases. Last evaluated: 2021-07-21. Review status: criteria provided, single submitter. Criteria: Ambry Variant Classification Scheme 2023. Collection method: clinical testing. Allele origin: germline.

NM_000528.4(MAN2B1):c.2489T>C (p.Met830Thr)

Gene: MAN2B1 (mannosidase alpha class 2B member 1; minus strand). Cytogenetic location: 19p13.13.
Variant type: single nucleotide variant.
Coding change: c.2489T>C on transcript NM_000528.4 (MANE Select); coding-DNA position 2489, T replaced by C.
Protein change: p.Met830Thr; replaces methionine 830 with threonine.
Molecular consequence: missense variant.
Genome position (GRCh38, 1-based): chr19:12,648,350, A>G on the plus strand (T>C on the coding strand, the complement: MAN2B1 is on the minus strand). VCF-style: chr19-12648350-A-G. GRCh37 (hg19) VCF-style: chr19-12759164-A-G.
Other names: c.2486T>C, p.Met829Thr (NM_001173498.2); c.2489T>C (NM_000528.3); short protein forms M829T, M830T.
Identifiers: ClinVar variation 1403756 (VCV001403756.6), dbSNP rs1438173166, ClinGen allele CA404240299.